The following is an entry in ClinVar:

ClinVar aggregate classification (germline): Benign. Review status: criteria provided, multiple submitters, no conflicts (2 of 4 stars). 4 submissions from 3 submitters: Benign (4). Last evaluated 2018-06-15.

Conditions:
Arrhythmogenic right ventricular dysplasia 12. Also called: ARRHYTHMOGENIC RIGHT VENTRICULAR DYSPLASIA, FAMILIAL, 12. Identifiers: MedGen C1969081, MONDO:0012684, OMIM 611528.
Naxos disease (NXD). Also called: KERATOSIS PALMOPLANTARIS WITH ARRHYTHMOGENIC CARDIOMYOPATHY; MAL DE NAXOS; PALMOPLANTAR KERATODERMA WITH ARRHYTHMOGENIC RIGHT VENTRICULAR CARDIOMYOPATHY AND WOOLLY HAIR; WOOLLY HAIR, PALMOPLANTAR KERATODERMA, AND CARDIAC ABNORMALITIES; CARDIOMYOPATHY, ARRHYTHMOGENIC RIGHT VENTRICULAR, WITH SKIN, HAIR, AND NAIL ABNORMALITIES. Identifiers: Orphanet 34217, MedGen C1832600, MONDO:0011017, OMIM 601214.

Allele frequency attached by ClinVar (database versions not stated): 1000 Genomes Project 30x 0.63179; 1000 Genomes Project 0.63219; gnomAD exomes 0.69272; TOPMed 0.69495; gnomAD 0.70423 and 0.70932.
gnomAD v4.1: 313,772 of 450,256 alleles (70%); highest among the groups gnomAD compares: Non-Finnish European, 74%; 112,026 homozygotes.

Submissions (4):

GeneDx
Classification: Benign. Last evaluated: 2018-06-15. Review status: criteria provided, single submitter. Criteria: GeneDx Variant Classification Process June 2021. Collection method: clinical testing. Allele origin: germline. Affected: yes.

Illumina Laboratory Services, Illumina
Classification: Benign for Arrhythmogenic right ventricular dysplasia 12. Last evaluated: 2018-01-12. Review status: criteria provided, single submitter. Criteria: ICSL Variant Classification Criteria 13 December 2019. Collection method: clinical testing. Allele origin: germline.
Comment: This variant was observed in the ICSL laboratory as part of a predisposition screen in an ostensibly healthy population. It had not been previously curated by ICSL or reported in the Human Gene Mutation Database (HGMD: prior to June 1st, 2018), and was therefore a candidate for classification through an automated scoring system. Utilizing variant allele frequency, disease prevalence and penetrance estimates, and inheritance mode, an automated score was calculated to assess if this variant is too frequent to cause the disease. Based on the score and internal cut-off values, a variant classified as benign is not then subjected to further curation. The score for this variant resulted in a classification of benign for this disease.

Illumina Laboratory Services, Illumina
Classification: Benign for Naxos disease. Last evaluated: 2018-01-12. Review status: criteria provided, single submitter. Criteria: ICSL Variant Classification Criteria 13 December 2019. Collection method: clinical testing. Allele origin: germline.
Comment: the same text as in the submission from Illumina Laboratory Services, Illumina above.

Breakthrough Genomics
Classification: Benign. Review status: criteria provided, single submitter. Criteria: ACMG Guidelines, 2015. Collection method: not provided. Allele origin: germline. Inheritance: Autosomal recessive inheritance. Affected: yes.

NM_002230.4(JUP):c.*225T>C

Gene: JUP (junction plakoglobin; minus strand). Cytogenetic location: 17q21.2.
Variant type: single nucleotide variant.
Coding change: c.*225T>C on transcript NM_002230.4 (MANE Select); 225 bases downstream of the stop codon, T replaced by C.
Molecular consequence: 3 prime UTR variant. On other transcripts: intron variant (5).
Genome position (GRCh38, 1-based): chr17:41,755,519, A>G on the plus strand (T>C on the coding strand, the complement: JUP is on the minus strand). VCF-style: chr17-41755519-A-G. GRCh37 (hg19) VCF-style: chr17-39911771-A-G.
Other names: c.*225T>C (NM_001352773.2); c.*15-87T>C (NM_001352774.2, NM_021991.4, NM_001352776.2 and 2 more transcripts).
Identifiers: ClinVar variation 323159 (VCV000323159.8), dbSNP rs4627408, ClinGen allele CA10649208.